The following is an entry in ClinVar:

ClinVar aggregate classification (germline): Uncertain significance (1 of 4 stars; one submission).

Conditions:
Bardet-Biedl syndrome 16 (BBS16). Identifiers: Orphanet 110, MedGen C3889474, MONDO:0014444, OMIM 615993.
Senior-Loken syndrome 7 (SLSN7). Identifiers: Orphanet 3156, MedGen C3150877, MONDO:0013326, OMIM 613615.

Allele frequency attached by ClinVar (database versions not stated): gnomAD exomes below 0.00001; ExAC 0.00001; gnomAD 0.00001; 1000 Genomes Project 30x 0.00016; 1000 Genomes Project 0.00020.
gnomAD v4.1: 3 of 1,509,556 alleles (0.0002%); highest among the groups gnomAD compares: South Asian, 0.0034%; no homozygotes.

Submission:

Labcorp Genetics (formerly Invitae), Labcorp
Classification: Uncertain significance for Bardet-Biedl syndrome 16; Senior-Loken syndrome 7. Last evaluated: 2023-07-07. Review status: criteria provided, single submitter. Criteria: Invitae Variant Classification Sherloc (09022015). Collection method: clinical testing. Allele origin: germline.
Comment: In summary, the available evidence is currently insufficient to determine the role of this variant in disease. Therefore, it has been classified as a Variant of Uncertain Significance. This sequence change falls in intron 6 of the SDCCAG8 gene. It does not directly change the encoded amino acid sequence of the SDCCAG8 protein. It affects a nucleotide within the consensus splice site. This variant is present in population databases (rs559252091, gnomAD 0.003%). This variant has not been reported in the literature in individuals affected with SDCCAG8-related conditions. ClinVar contains an entry for this variant (Variation ID: 2147542). Variants that disrupt the consensus splice site are a relatively common cause of aberrant splicing (PMID: 17576681, 9536098). Algorithms developed to predict the effect of sequence changes on RNA splicing suggest that this variant is not likely to affect RNA splicing.

Literature cited by the submitters: PubMed 17576681; PubMed 9536098.

NM_006642.5(SDCCAG8):c.676-3T>C

Gene: SDCCAG8 (SHH signaling and ciliogenesis regulator SDCCAG8; plus strand). Cytogenetic location: 1q43.
Variant type: single nucleotide variant.
Coding change: c.676-3T>C on transcript NM_006642.5 (MANE Select); 3 bases into the intron before coding-DNA position 676, T replaced by C.
Molecular consequence: intron variant.
Genome position (GRCh38, 1-based): chr1:243,304,710, T>C. VCF-style: chr1-243304710-T-C. GRCh37 (hg19) VCF-style: chr1-243468012-T-C.
Other names: c.382-3T>C (NM_001350249.2); c.-602-3T>C (NM_001350251.2); c.772-3T>C (NM_001350248.2); c.-437-3T>C (NM_001350246.2); c.-325-3T>C (NM_001350247.2).
Identifiers: ClinVar variation 2147542 (VCV002147542.4), dbSNP rs559252091, ClinGen allele CA1483401.
Genomic context (GRCh38, chr1:243,304,710, plus strand): 5'-TAAAGTTTACTTATAAAATACAGGACATAGAGAAAAATGTACTTCTATTTTTCTTTTCTA[T>C]AGGAGAAGCTAAAACTTACTTATGAGGAAAAGTGTGAAATTGAGGAATCCCAATTGAAGT-3'